The following is an entry in ClinVar:

ClinVar aggregate classification (germline): Uncertain significance (1 of 4 stars; one submission).

gnomAD v4.1: 14 of 1,529,472 alleles (0.00092%); highest among the groups gnomAD compares: Non-Finnish European, 0.0011%; no homozygotes.

Submission:

Women's Health and Genetics/Laboratory Corporation of America, LabCorp
Classification: Uncertain significance. Last evaluated: 2024-06-07. Review status: criteria provided, single submitter. Criteria: LabCorp Variant Classification Summary - May 2015. Collection method: clinical testing. Allele origin: germline.
Comment: Variant summary: CUX1 c.3655+6T>A alters a nucleotide located close to a canonical splice site and therefore could affect mRNA splicing, leading to a significantly altered protein sequence. Consensus agreement among computation tools predict no significant impact on normal splicing. However, these predictions have yet to be confirmed by functional studies. The variant allele was found at a frequency of 5.3e-06 in 189654 control chromosomes. The available data on variant occurrences in the general population are insufficient to allow any conclusion about variant significance. To our knowledge, no occurrence of c.3655+6T>A in individuals affected with CUX1-related conditions and no experimental evidence demonstrating its impact on protein function have been reported. No submitters have cited clinical-significance assessments for this variant to ClinVar. Based on the evidence outlined above, the variant was classified as uncertain significance.

NM_181552.4(CUX1):c.3622+6T>A

Gene: CUX1 (cut like homeobox 1; plus strand). Cytogenetic location: 7q22.1.
Variant type: single nucleotide variant.
Coding change: c.3622+6T>A on transcript NM_181552.4 (MANE Select); 6 bases into the intron after coding-DNA position 3622, T replaced by A.
Molecular consequence: intron variant.
Genome position (GRCh38, 1-based): chr7:102,234,246, T>A. VCF-style: chr7-102234246-T-A. GRCh37 (hg19) VCF-style: chr7-101877526-T-A.
Other names: c.1255+38643T>A (NM_001913.5); c.1249+38643T>A (NM_181500.4); c.1117+38643T>A (NM_001202545.3); c.1207+38643T>A (NM_001202544.3); c.1138+38643T>A (NM_001202546.3); c.3655+6T>A (NM_001202543.2).
Identifiers: ClinVar variation 3339521 (VCV003339521.1).
Genomic context (GRCh38, chr7:102,234,246, plus strand): 5'-AACGACCCCAACAATGTGGAGAAGCTGATGGACATGAAACGGATGGAGAAGAAAGGTAAG[T>A]CTCCCTGCCCCGCCCGGGCCGGCTGCGTCCGCATTCATAGACAGGCTGTTTCTTTCAAAT-3'